The following is an entry in ClinVar:

ClinVar aggregate classification (germline): Uncertain significance (1 of 4 stars; one submission).

gnomAD v4.1: 1 of 1,613,886 alleles (0.000062%); highest among the groups gnomAD compares: Non-Finnish European, 0.000085%; no homozygotes.

Submission:

GeneDx
Classification: Uncertain significance. Last evaluated: 2025-07-23. Review status: criteria provided, single submitter. Criteria: GeneDx Variant Classification Process June 2021. Collection method: clinical testing. Allele origin: germline. Affected: yes.
Comment: Not observed at significant frequency in large population cohorts (gnomAD); Nonsense variant predicted to result in protein truncation as the last 288 amino acid(s) are lost; Has not been previously published as pathogenic or benign to our knowledge

NM_020706.2(SCAF4):c.2578C>T (p.Gln860Ter)

Gene: SCAF4 (SR-related CTD associated factor 4; minus strand). Cytogenetic location: 21q22.11.
Variant type: single nucleotide variant.
Coding change: c.2578C>T on transcript NM_020706.2 (MANE Select); coding-DNA position 2578, C replaced by T.
Protein change: p.Gln860Ter; replaces glutamine 860 with a stop codon.
Molecular consequence: nonsense.
Genome position (GRCh38, 1-based): chr21:31,672,265, G>A on the plus strand (C>T on the coding strand, the complement: SCAF4 is on the minus strand). VCF-style: chr21-31672265-G-A. GRCh37 (hg19) VCF-style: chr21-33044578-G-A.
Other names: c.2533C>T, p.Gln845Ter (NM_001145444.1); c.2512C>T, p.Gln838Ter (NM_001145445.1); short protein forms Q838*, Q845*, Q860*.
Identifiers: ClinVar variation 4686877 (VCV004686877.1).